The following is an entry in ClinVar:

NM_007212.4(RNF2):c.248+11A>T

Gene: RNF2 (ring finger protein 2; plus strand). Cytogenetic location: 1q25.3.
Variant type: single nucleotide variant.
Coding change: c.248+11A>T on transcript NM_007212.4 (MANE Select); 11 bases into the intron after coding-DNA position 248, A replaced by T.
Molecular consequence: intron variant.
Genome position (GRCh38, 1-based): chr1:185,091,750, A>T. VCF-style: chr1-185091750-A-T. GRCh37 (hg19) VCF-style: chr1-185060882-A-T.
Identifiers: ClinVar variation 2637754 (VCV002637754.1), dbSNP rs2526070527, ClinGen allele CA2695199930.
Genomic context (GRCh38, chr1:185,091,750, plus strand): 5'-TGTTTACATCGTTTTTGTGCAGACTGCATCATCACAGCCCTTAGAAGTGGGTATGTTGAA[A>T]AGAGTTGTTATACTAGGTACTTAATTGTACCACGAAAGTGCTTTCCAGGGTTTGAGAAAT-3'

ClinVar aggregate classification (germline): Uncertain significance (1 of 4 stars; one submission).

Submission:

Women's Health and Genetics/Laboratory Corporation of America, LabCorp
Classification: Uncertain significance. Last evaluated: 2023-10-16. Review status: criteria provided, single submitter. Criteria: LabCorp Variant Classification Summary - May 2015. Collection method: clinical testing. Allele origin: germline.
Comment: Variant summary: RNF2 c.248+11A>T alters a non-conserved nucleotide located at a position not widely known to affect splicing. Consensus agreement among computation tools predict no significant impact on normal splicing. However, these predictions have yet to be confirmed by functional studies. The variant was absent in 249682 control chromosomes. The available data on variant occurrences in the general population are insufficient to allow any conclusion about variant significance. To our knowledge, no occurrence of c.248+11A>T in individuals affected with Luo-Schoch Syndrome and no experimental evidence demonstrating its impact on protein function have been reported. No submitters have cited clinical-significance assessments for this variant to ClinVar after 2014. Based on the evidence outlined above, the variant was classified as VUS-possibly benign.